The following is an entry in ClinVar:

ClinVar aggregate classification (germline): Benign. Review status: criteria provided, multiple submitters, no conflicts (2 of 4 stars). 2 submissions from 2 submitters: Benign (2). Last evaluated 2018-06-14.

Allele frequency attached by ClinVar (database versions not stated): 1000 Genomes Project 30x 0.24516; 1000 Genomes Project 0.24840; TOPMed 0.26792; gnomAD 0.28328 and 0.28430; gnomAD exomes 0.32787.
gnomAD v4.1: 397,773 of 1,235,866 alleles (32%); highest among the groups gnomAD compares: East Asian, 35%; 67,291 homozygotes.

Submissions (2):

GeneDx
Classification: Benign. Last evaluated: 2018-06-14. Review status: criteria provided, single submitter. Criteria: GeneDx Variant Classification (06012015). Collection method: clinical testing. Allele origin: germline. Affected: yes.
Comment: This variant is considered likely benign or benign based on one or more of the following criteria: it is a conservative change, it occurs at a poorly conserved position in the protein, it is predicted to be benign by multiple in silico algorithms, and/or has population frequency not consistent with disease.

Breakthrough Genomics
Classification: Benign. Review status: criteria provided, single submitter. Criteria: ACMG Guidelines, 2015. Collection method: not provided. Allele origin: germline. Inheritance: Autosomal recessive inheritance. Affected: yes.

NM_004544.4(NDUFA10):c.547+236C>T

Gene: NDUFA10 (NADH:ubiquinone oxidoreductase subunit A10; minus strand). Cytogenetic location: 2q37.3.
Variant type: single nucleotide variant.
Coding change: c.547+236C>T on transcript NM_004544.4 (MANE Select); 236 bases into the intron after coding-DNA position 547, C replaced by T.
Molecular consequence: intron variant.
Genome position (GRCh38, 1-based): chr2:240,018,317, G>A on the plus strand (C>T on the coding strand, the complement: NDUFA10 is on the minus strand). VCF-style: chr2-240018317-G-A. GRCh37 (hg19) VCF-style: chr2-240957734-G-A.
Other names: c.547+236C>T (NM_001322020.2, NM_001322019.2).
Identifiers: ClinVar variation 669869 (VCV000669869.2), dbSNP rs4149541, ClinGen allele CA11052565.